The following is an entry in ClinVar:

ClinVar aggregate classification (germline): Pathogenic. Review status: criteria provided, multiple submitters, no conflicts (2 of 4 stars). 28 submissions from 26 submitters: Pathogenic (20). 8 of the submissions do not count toward it. Last evaluated 2026-04-30.

Conditions:
Visceral myopathy 1 (VSCM1). Also called: Infantile visceral myopathy; ACTG2 Visceral Myopathy; Visceral myopathy. Identifiers: Orphanet 2604, MedGen C5542197, MONDO:0020754, OMIM 155310.
Megacystis-microcolon-intestinal hypoperistalsis syndrome 5. Identifiers: MedGen C5543636, MONDO:0030329, OMIM 619431.
ACTG2-related disorder. Also called: ACTG2-related condition.
Inborn genetic diseases. Identifiers: MedGen C0950123, MeSH D030342.
Chronic intestinal pseudoobstruction. Also called: Chronic Intestinal Pseudoobstruction (CIPO). Identifiers: Orphanet 2978, MedGen C0238062, MONDO:0017574.
Megacystis. Identifiers: MedGen C1855311, HP:0000021.
Visceral neuropathy, familial, 3, autosomal dominant. Also called: PSEUDOOBSTRUCTION, CHRONIC INTESTINAL, NEUROPATHIC; ENTERIC NEUROPATHY, FAMILIAL; Visceral neuropathy, familial, autosomal dominant. Identifiers: Orphanet 2978, MedGen C1864996, MONDO:0012317, OMIM 609629.

Submissions 1 to 7 of 28:

Ambry Genetics
Classification: Pathogenic for Inborn genetic diseases. Last evaluated: 2026-04-30. Review status: criteria provided, single submitter. Criteria: Ambry Variant Classification Scheme 2023. Collection method: clinical testing. Allele origin: germline.
Comment: The c.769C>T (p.R257C) alteration is located in exon 7 (coding exon 6) of the ACTG2 gene. This alteration results from a C to T substitution at nucleotide position 769, causing the arginine (R) at amino acid position 257 to be replaced by a cysteine (C). This variant was not reported in population-based cohorts in the Genome Aggregation Database (gnomAD). This variant was reported in individual(s) with features consistent with ACTG2-related visceral myopathy; in at least one individual, it was determined to be de novo (Wangler, 2014). Other variant(s) at the same codon, c.770G>A (p.R257H), have been identified in individual(s) with features consistent with ACTG2-related visceral myopathy (Ambry internal data). This amino acid position is highly conserved in available vertebrate species. This missense variant is located in a region that has a low rate of benign missense variation (Lek, 2016; Firth, 2009). This alteration is predicted to be deleterious by in silico analysis. Based on the available evidence, this alteration is classified as pathogenic.

OLLIN Analises Genomicas, OLLIN
Classification: Pathogenic for Megacystis-microcolon-intestinal hypoperistalsis syndrome 5. Last evaluated: 2026-01-07. Review status: criteria provided, single submitter. Criteria: ACMG Guidelines 2015 PMID 25741868. Collection method: clinical testing. Allele origin: germline. Affected: yes. Observed: 1 variant allele.
Comment: The missense variant (chr2:73914835C>T), located in exon 7 (of 9), absent in gnomAD v4.1 non-UKB, is reported in ClinVar (VCV000132803.66) and in the scientific literature, and has also been identified de novo in individuals with megabladder-microcolon-hypoperistalsis syndrome (PMID: 33294969, 31769566, 24676022, 26072522). In silico analysis predicts that this variant has a deleterious effect. This variant is located in a known mutational hotspot. According to currently available evidence, this variant has been classified as pathogenic (PS2, PS4, PM1, PM2_P, PM5, PP3_S, PP4_S).

3billion
Classification: Pathogenic for Visceral myopathy 1. Last evaluated: 2025-11-24. Review status: criteria provided, single submitter. Criteria: ACMG Guidelines, 2015. Collection method: clinical testing. Allele origin: germline. Affected: yes.
Comment: The variant is not observed in the gnomAD v4.1.0 dataset. Predicted Consequence/Location: Missense variant. Missense changes are a common disease-causing mechanism. In silico tool predictions suggest damaging effect of the variant on gene or gene product [REVEL: 0.97 (>=0.6, sensitivity 0.68 and specificity 0.92); 3Cnet: 0.99 (> 0.75, sensitivity 0.96 and precision 0.92)]. The same nucleotide change resulting in the same amino acid change has been previously reported as pathogenic/likely pathogenic with strong evidence (ClinVar ID: VCV000132803 /PMID: 24676022 /3billion dataset). The variant has been previously reported as de novo in a similarly affected individual (PMID: 24676022). The variant has been previously reported as assumed (i.e. paternity and maternity not confirmed) de novo in at least one similarly affected unrelated individual (3billion dataset). A different missense change at the same codon (p.Arg257His) has been reported as pathogenic/likely pathogenic with strong evidence (ClinVar ID: VCV000208792 /PMID: 24901346 /3billion dataset). Therefore, this variant is classified as Pathogenic according to the recommendation of ACMG/AMP guideline.

Variantyx, Inc.
Classification: Pathogenic for Megacystis-microcolon-intestinal hypoperistalsis syndrome 5. Last evaluated: 2025-11-18. Review status: criteria provided, single submitter. Criteria: Variantyx Assertion Criteria 2022. Collection method: clinical testing. Allele origin: de novo. Inheritance: Autosomal dominant inheritance. Affected: yes.
Comment: This is a nonsynonymous variant in the ACTG2 gene (OMIM: 102545). Pathogenic variants in this gene have been associated with autosomal dominant megacystis-microcolon-intestinal hypoperistalsis syndrome 5. This variant has been reported in at least two unrelated affected individuals (PMID: 24676022, 26813947) (PS4_Moderate), and it likely occurred de novo in individuals reported in the published literature; however, the possibility of parental germline mosaicism cannot be excluded (PMID: 26813947, 24676022) (PS2_Very_Strong). Functional studies have shown that this variant alters ACTG2 protein function (PMID: 38820162) (PS3_Moderate), and multiple computational algorithms predict a deleterious effect for this variant (REVEL score: 0.966) (PP3). Moreover, an alternate amino acid change at this position (p.Arg257His) has been previously reported in similarly affected individuals, which suggests that this residue is biologically important (PMID: 31769566) (PM5). This variant is absent from control populations (PM2). Based on the current evidence, this variant is classified as pathogenic for autosomal dominant megacystis-microcolon-intestinal hypoperistalsis syndrome 5.

PreventionGenetics, part of Exact Sciences
Classification: Pathogenic for ACTG2-related condition. Last evaluated: 2024-10-21. Review status: criteria provided, single submitter. Criteria: ACMG Guidelines, 2015. Collection method: clinical testing. Allele origin: germline.
Comment: The ACTG2 c.769C>T variant is predicted to result in the amino acid substitution p.Arg257Cys. This variant has been reported in multiple patients with megacystis-microcolon-intestinal hypoperistalsis syndrome and has been documented to have arisen de novo in several patients (Wangler et al 2014. PubMed ID: 24676022; Matera et al 2016. PubMed ID: 26813947; Internal Data, PreventionGenetics). This variant has not been reported in a large population database, indicating this variant is rare. This variant is interpreted as pathogenic.

Victorian Clinical Genetics Services, Murdoch Childrens Research Institute
Classification: Pathogenic for Visceral myopathy 1. Last evaluated: 2023-07-17. Review status: criteria provided, single submitter. Criteria: ACMG Guidelines, 2015. Collection method: clinical testing. Allele origin: germline. Inheritance: Autosomal dominant inheritance. Affected: yes.
Comment: Based on the classification scheme VCGS_Germline_v1.3.4, this variant is classified as Pathogenic. Following criteria are met: 0104 - Dominant negative has been suggested as a mechanism of disease in this gene and is associated with visceral myopathy 1 (MIM#155310), a phenotype which encompasses megacystic microcolon intestinal hypoperistalsis syndrome (MMIHS; MIM#619431) and chronic intestinal pseudoobstruction (CIPO) (PMID: 26072522, 26647307, 32814715). (I) 0107 - This gene is associated with autosomal dominant disease. (I) 0115 - Variants in this gene are known to have variable expressivity. Intra-familial clinical variability has been reported (OMIM, PMID: 26072522). (I) 0200 - Variant is predicted to result in a missense amino acid change from arginine to cysteine. (I) 0251 - This variant is heterozygous. (I) 0301 - Variant is absent from gnomAD (both v2 and v3). (SP) 0501 - Missense variant consistently predicted to be damaging by multiple in silico tools or highly conserved with a major amino acid change. (SP) 0600 - Variant is located in the annotated actin domain (DECIPHER). (I) 0801 - This variant has strong previous evidence of pathogenicity in unrelated individuals. This variant has been classified as pathogenic by multiple clinical laboratories in ClinVar, and has been observed as de novo in several individuals with CIPO (PMID: 29781137). (SP) 1208 - Inheritance information for this variant is not currently available in this individual. (I) Legend: (SP) - Supporting pathogenic, (I) - Information, (SB) - Supporting benign

GeneDx
Classification: Pathogenic. Last evaluated: 2022-04-15. Review status: criteria provided, single submitter. Criteria: GeneDx Variant Classification Process June 2021. Collection method: clinical testing. Allele origin: germline. Affected: yes.
Comment: Not observed at significant frequency in large population cohorts (gnomAD); In silico analysis supports that this missense variant has a deleterious effect on protein structure/function; This variant is associated with the following publications: (PMID: 24676022, 25998219, 27007401, 26813947, 29781137, 28422808, 31441039, 30577886, 33294969, 30712878)

NM_001615.4(ACTG2):c.769C>T (p.Arg257Cys)

Gene: ACTG2 (actin gamma 2, smooth muscle; plus strand). Cytogenetic location: 2p13.1.
Variant type: single nucleotide variant.
Coding change: c.769C>T on transcript NM_001615.4 (MANE Select); coding-DNA position 769, C replaced by T.
Protein change: p.Arg257Cys; replaces arginine 257 with cysteine.
Molecular consequence: missense variant.
Genome position (GRCh38, 1-based): chr2:73,914,835, C>T. VCF-style: chr2-73914835-C-T. GRCh37 (hg19) VCF-style: chr2-74141962-C-T.
Other names: c.640C>T, p.Arg214Cys (NM_001199893.2); short protein forms R257C, R214C.
Identifiers: ClinVar variation 132803 (VCV000132803.76), dbSNP rs587777387, ClinGen allele CA204778.
Genomic context (GRCh38, chr2:73,914,835, plus strand): 5'-CTGGAGAAGAGCTATGAGCTGCCAGATGGGCAGGTTATCACCATTGGCAATGAGCGCTTC[C>T]GCTGCCCTGAGACCCTCTTCCAGCCTTCCTTTATTGGTGAGGTGCTGCCCACAGTCCCTG-3'
Protein context (NP_001606.1, residues 247-267): QVITIGNERF[Arg257Cys]CPETLFQPSF